The following is an entry in ClinVar:

NM_001370259.2(MEN1):c.494G>C (p.Cys165Ser)

Gene: MEN1 (menin 1; minus strand). Cytogenetic location: 11q13.1.
Variant type: single nucleotide variant.
Coding change: c.494G>C on transcript NM_001370259.2 (MANE Select); coding-DNA position 494, G replaced by C.
Protein change: p.Cys165Ser; replaces cysteine 165 with serine.
Molecular consequence: missense variant. On other transcripts: non-coding transcript variant (4).
Genome position (GRCh38, 1-based): chr11:64,808,051, C>G on the plus strand (G>C on the coding strand, the complement: MEN1 is on the minus strand). VCF-style: chr11-64808051-C-G. GRCh37 (hg19) VCF-style: chr11-64575523-C-G.
Other names: c.509G>C, p.Cys170Ser (NM_000244.4, NM_001407145.1, NM_001407150.1 and 5 more transcripts); c.494G>C, p.Cys165Ser (NM_001370251.2, NM_001370260.2, NM_001370261.2 and 12 more transcripts); short protein forms C165S, C170S.
Identifiers: ClinVar variation 3229102 (VCV003229102.1), dbSNP rs1057521111, ClinGen allele CA381186110.
Genomic context (GRCh38, chr11:64,808,051, plus strand): 5'-ACTACCCAGGCATGATCCTCAGACAGGGCGAGGTGGACATCCCGGAGACCCAGGGCCTGG[C>G]AGGCCCCAACCACAGCAAAGGCCACACCGGAGCTGTCCAATTTGGTGCCTGTGGAAGGGG-3'
Protein context (NP_001357188.2, residues 155-175): SGVAFAVVGA[Cys165Ser]QALGLRDVHL

ClinVar aggregate classification (germline): Uncertain significance (1 of 4 stars; one submission).

Conditions:
Hereditary cancer-predisposing syndrome. Also called: Neoplastic Syndromes, Hereditary; Tumor predisposition; Hereditary neoplastic syndrome; Hereditary Cancer Syndrome. Identifiers: Orphanet 140162, MedGen C0027672, MeSH D009386, MONDO:0015356.

Submission:

Ambry Genetics
Classification: Uncertain significance for Hereditary cancer-predisposing syndrome. Last evaluated: 2024-01-24. Review status: criteria provided, single submitter. Criteria: Ambry Variant Classification Scheme 2023. Collection method: clinical testing. Allele origin: germline.
Comment: The p.C165S variant (also known as c.494G>C), located in coding exon 2 of the MEN1 gene, results from a G to C substitution at nucleotide position 494. The cysteine at codon 165 is replaced by serine, an amino acid with dissimilar properties. This amino acid position is highly conserved in available vertebrate species. In addition, this alteration is predicted to be deleterious by in silico analysis. Based on the available evidence, the clinical significance of this alteration remains unclear.